The following is an entry in ClinVar:

NM_001375567.1(FOCAD):c.1254C>T (p.Ala418=)

Gene: FOCAD (focadhesin; plus strand). Cytogenetic location: 9p21.3.
Variant type: single nucleotide variant.
Coding change: c.1254C>T on transcript NM_001375567.1 (MANE Select); coding-DNA position 1254, C replaced by T.
Protein change: p.Ala418=; no amino-acid change (alanine 418 retained).
Molecular consequence: synonymous variant.
Genome position (GRCh38, 1-based): chr9:20,789,407, C>T. VCF-style: chr9-20789407-C-T. GRCh37 (hg19) VCF-style: chr9-20789406-C-T.
Other names: c.1254C>T, p.Ala418= (NM_001375568.1, NM_017794.5); c.1149C>T, p.Ala383= (NM_001375570.1).
Identifiers: ClinVar variation 3714029 (VCV003714029.3).

ClinVar aggregate classification (germline): Conflicting classifications of pathogenicity. Review status: criteria provided, conflicting classifications (1 of 4 stars). 2 submissions from 2 submitters: Uncertain significance (1); Likely benign (1). Last evaluated 2024-10-04.

gnomAD v4.1: 51 of 1,613,886 alleles (0.0032%); highest among the groups gnomAD compares: Non-Finnish European, 0.0042%; no homozygotes.

Submissions (2):

Blueprint Genetics
Classification: Likely benign. Last evaluated: 2024-10-04. Review status: criteria provided, single submitter. Criteria: ACMG Guidelines, 2015. Collection method: clinical testing. Allele origin: germline.

Labcorp Genetics (formerly Invitae), Labcorp
Classification: Uncertain significance. Last evaluated: 2024-08-05. Review status: criteria provided, single submitter. Criteria: Invitae Variant Classification Sherloc (09022015). Collection method: clinical testing. Allele origin: germline.
Comment: This sequence change affects codon 418 of the FOCAD mRNA. It is a 'silent' change, meaning that it does not change the encoded amino acid sequence of the FOCAD protein. This variant is present in population databases (rs773117121, gnomAD 0.006%). This variant has not been reported in the literature in individuals affected with FOCAD-related conditions. Experimental studies and prediction algorithms are not available or were not evaluated, and the effect of this variant on mRNA splicing is currently unknown. In summary, the available evidence is currently insufficient to determine the role of this variant in disease. Therefore, it has been classified as a Variant of Uncertain Significance.